The following is an entry in ClinVar:

NM_152419.3(HGSNAT):c.680A>G (p.Gln227Arg)

Gene: HGSNAT (heparan-alpha-glucosaminide N-acetyltransferase; plus strand). Cytogenetic location: 8p11.21.
Variant type: single nucleotide variant.
Coding change: c.680A>G on transcript NM_152419.3 (MANE Select); coding-DNA position 680, A replaced by G.
Protein change: p.Gln227Arg; replaces glutamine 227 with arginine.
Molecular consequence: missense variant. On other transcripts: 5 prime UTR variant (1).
Genome position (GRCh38, 1-based): chr8:43,170,631, A>G. VCF-style: chr8-43170631-A-G. GRCh37 (hg19) VCF-style: chr8-43025774-A-G.
Other names: c.680A>G, p.Gln227Arg (NM_001363227.2, NM_001363228.2); c.-154A>G (NM_001363229.2); short protein forms Q227R.
Identifiers: ClinVar variation 1922856 (VCV001922856.2), dbSNP rs200505085, ClinGen allele CA371116155.

ClinVar aggregate classification (germline): Uncertain significance (1 of 4 stars; one submission).

Conditions:
Retinitis pigmentosa 73 (RP73). Identifiers: Orphanet 791, MedGen C4225287, MONDO:0014687, OMIM 616544.
Mucopolysaccharidosis, MPS-III-C (MPS3C). Also called: SANFILIPPO SYNDROME C; MPS III C; Mucopolysaccharidosis type IIIC (Sanfilippo C); MUCOPOLYSACCHARIDOSIS, TYPE IIIC; mucopolysaccharidosis type 3C; MPS IIIC (Sanfilippo Syndrome Type C). Identifiers: Orphanet 581, Orphanet 79271, MedGen C0086649, MONDO:0009657, OMIM 252930.

Submission:

Labcorp Genetics (formerly Invitae), Labcorp
Classification: Uncertain significance for Retinitis pigmentosa 73; Mucopolysaccharidosis, MPS-III-C. Last evaluated: 2022-02-05. Review status: criteria provided, single submitter. Criteria: Invitae Variant Classification Sherloc (09022015). Collection method: clinical testing. Allele origin: germline.
Comment: This sequence change replaces glutamine, which is neutral and polar, with arginine, which is basic and polar, at codon 227 of the HGSNAT protein (p.Gln227Arg). This variant is not present in population databases (gnomAD no frequency). This variant has not been reported in the literature in individuals affected with HGSNAT-related conditions. Advanced modeling of protein sequence and biophysical properties (such as structural, functional, and spatial information, amino acid conservation, physicochemical variation, residue mobility, and thermodynamic stability) performed at Invitae indicates that this missense variant is not expected to disrupt HGSNAT protein function. In summary, the available evidence is currently insufficient to determine the role of this variant in disease. Therefore, it has been classified as a Variant of Uncertain Significance.